The following is an entry in ClinVar:

NM_198578.4(LRRK2):c.2438T>A (p.Val813Asp)

Gene: LRRK2 (leucine rich repeat kinase 2; plus strand). Cytogenetic location: 12q12.
Variant type: single nucleotide variant.
Coding change: c.2438T>A on transcript NM_198578.4 (MANE Select); coding-DNA position 2438, T replaced by A.
Protein change: p.Val813Asp; replaces valine 813 with aspartic acid.
Molecular consequence: missense variant.
Genome position (GRCh38, 1-based): chr12:40,284,071, T>A. VCF-style: chr12-40284071-T-A. GRCh37 (hg19) VCF-style: chr12-40677873-T-A.
Other names: short protein forms V813D.
Identifiers: ClinVar variation 2562418 (VCV002562418.3), dbSNP rs2499665235, ClinGen allele CA384407190.

ClinVar aggregate classification (germline): Uncertain significance. Review status: criteria provided, multiple submitters, no conflicts (2 of 4 stars). 2 submissions from 2 submitters: Uncertain significance (2). Last evaluated 2025-08-06.

Conditions:
Inborn genetic diseases. Identifiers: MedGen C0950123, MeSH D030342.
Autosomal dominant Parkinson disease 8. Also called: LRRK2-Related Parkinson Disease; Parkinson disease 8; Parkinson disease 8, susceptibility to. Identifiers: Orphanet 411602, MedGen C1846862, MONDO:0011764, OMIM 607060.

gnomAD v4.1: 2 of 1,613,496 alleles (0.00012%); highest among the groups gnomAD compares: Non-Finnish European, 0.00017%; no homozygotes.

Submissions (2):

Labcorp Genetics (formerly Invitae), Labcorp
Classification: Uncertain significance for Autosomal dominant Parkinson disease 8. Last evaluated: 2025-08-06. Review status: criteria provided, single submitter. Criteria: Invitae Variant Classification Sherloc (09022015). Collection method: clinical testing. Allele origin: germline.
Comment: This sequence change replaces valine, which is neutral and non-polar, with aspartic acid, which is acidic and polar, at codon 813 of the LRRK2 protein (p.Val813Asp). This variant is not present in population databases (gnomAD no frequency). This variant has not been reported in the literature in individuals affected with LRRK2-related conditions. ClinVar contains an entry for this variant (Variation ID: 2562418). Invitae Evidence Modeling of protein sequence and biophysical properties (such as structural, functional, and spatial information, amino acid conservation, physicochemical variation, residue mobility, and thermodynamic stability) has been performed for this missense variant. However, the output from this modeling did not meet the statistical confidence thresholds required to predict the impact of this variant on LRRK2 protein function. In summary, the available evidence is currently insufficient to determine the role of this variant in disease. Therefore, it has been classified as a Variant of Uncertain Significance.

Ambry Genetics
Classification: Uncertain significance for Inborn genetic diseases. Last evaluated: 2023-04-28. Review status: criteria provided, single submitter. Criteria: Ambry Variant Classification Scheme 2023. Collection method: clinical testing. Allele origin: germline.
Comment: The p.V813D variant (also known as c.2438T>A), located in coding exon 19 of the LRRK2 gene, results from a T to A substitution at nucleotide position 2438. The valine at codon 813 is replaced by aspartic acid, an amino acid with highly dissimilar properties. This amino acid position is conserved. In addition, this alteration is predicted to be tolerated by in silico analysis. Since supporting evidence is limited at this time, the clinical significance of this alteration remains unclear.